The following is an entry in ClinVar:

ClinVar aggregate classification (germline): Uncertain significance (1 of 4 stars; one submission).

Submission:

GeneDx
Classification: Uncertain significance. Last evaluated: 2023-07-21. Review status: criteria provided, single submitter. Criteria: GeneDx Variant Classification Process June 2021. Collection method: clinical testing. Allele origin: germline. Affected: yes.
Comment: Not observed at significant frequency in large population cohorts (gnomAD); Missense variant in a gene in which most reported pathogenic variants are truncating/loss of function; Has not been previously published as pathogenic or benign to our knowledge

NM_001267550.2(TTN):c.59647G>A (p.Asp19883Asn)

Genes: TTN (titin; minus strand), TTN-AS1 (TTN antisense RNA 1; plus strand), LOC126806424 (CDK7 strongly-dependent group 2 enhancer GRCh37_chr2:179456337-179457536; plus strand). Cytogenetic location: 2q31.2.
Variant type: single nucleotide variant.
Coding change: c.59647G>A on transcript NM_001267550.2 (MANE Select); coding-DNA position 59647, G replaced by A.
Protein change: p.Asp19883Asn; replaces aspartic acid 19883 with asparagine.
Molecular consequence: missense variant.
Genome position (GRCh38, 1-based): chr2:178,592,257, C>T on the plus strand (G>A on the coding strand, the complement: TTN is on the minus strand). VCF-style: chr2-178592257-C-T. GRCh37 (hg19) VCF-style: chr2-179456984-C-T.
Other names: c.54724G>A, p.Asp18242Asn (NM_001256850.1); c.32452G>A, p.Asp10818Asn (NM_003319.4); c.51943G>A, p.Asp17315Asn (NM_133378.4); c.32827G>A, p.Asp10943Asn (NM_133432.3); c.33028G>A, p.Asp11010Asn (NM_133437.4); short protein forms D10818N, D10943N, D11010N, D17315N, D18242N, D19883N.
Identifiers: ClinVar variation 3361430 (VCV003361430.1).